The following is an entry in ClinVar:

NM_001845.6(COL4A1):c.92G>T (p.Cys31Phe)

Gene: COL4A1 (collagen type IV alpha 1 chain; minus strand). Cytogenetic location: 13q34.
Variant type: single nucleotide variant.
Coding change: c.92G>T on transcript NM_001845.6 (MANE Select); coding-DNA position 92, G replaced by T.
Protein change: p.Cys31Phe; replaces cysteine 31 with phenylalanine.
Molecular consequence: missense variant.
Genome position (GRCh38, 1-based): chr13:110,242,727, C>A on the plus strand (G>T on the coding strand, the complement: COL4A1 is on the minus strand). VCF-style: chr13-110242727-C-A. GRCh37 (hg19) VCF-style: chr13-110895074-C-A.
Other names: c.92G>T, p.Cys31Phe (NM_001303110.2); short protein forms C31F.
Identifiers: ClinVar variation 2864521 (VCV002864521.3), dbSNP rs2501683099, ClinGen allele CA388731581.

ClinVar aggregate classification (germline): Uncertain significance (1 of 4 stars; one submission).

Submission:

Labcorp Genetics (formerly Invitae), Labcorp
Classification: Uncertain significance. Last evaluated: 2023-05-15. Review status: criteria provided, single submitter. Criteria: Invitae Variant Classification Sherloc (09022015). Collection method: clinical testing. Allele origin: germline.
Comment: This variant has not been reported in the literature in individuals affected with COL4A1-related conditions. This sequence change replaces cysteine, which is neutral and slightly polar, with phenylalanine, which is neutral and non-polar, at codon 31 of the COL4A1 protein (p.Cys31Phe). This variant is not present in population databases (gnomAD no frequency). Advanced modeling of protein sequence and biophysical properties (such as structural, functional, and spatial information, amino acid conservation, physicochemical variation, residue mobility, and thermodynamic stability) has been performed at Invitae for this missense variant, however the output from this modeling did not meet the statistical confidence thresholds required to predict the impact of this variant on COL4A1 protein function. In summary, the available evidence is currently insufficient to determine the role of this variant in disease. Therefore, it has been classified as a Variant of Uncertain Significance.